The following is an entry in ClinVar:

NM_001201543.2(FAM161A):c.782del (p.Asp261fs)

Gene: FAM161A (FAM161 centrosomal protein A; minus strand). Cytogenetic location: 2p15.
Variant type: Deletion.
Coding change: c.782del on transcript NM_001201543.2 (MANE Select); coding-DNA position 782, one base deleted (A; older notation c.782delA).
Protein change: p.Asp261fs; shifts the reading frame from aspartic acid 261.
Molecular consequence: frameshift variant. On other transcripts: non-coding transcript variant (1).
Genome position (GRCh38, 1-based): chr2:61,840,222, T deleted on the plus strand (A on the coding strand, the reverse complement: FAM161A is on the minus strand). VCF-style (leftmost placement, unchanged base first): chr2-61840221-AT-A. GRCh37 (hg19) VCF-style: chr2-62067356-AT-A.
Other names: c.782del, p.Asp261fs (NM_032180.3); short protein forms D261fs.
Identifiers: ClinVar variation 438167 (VCV000438167.10), dbSNP rs1178184685, ClinGen allele CA533181504.

ClinVar aggregate classification (germline): Pathogenic. Review status: criteria provided, multiple submitters, no conflicts (2 of 4 stars). 3 submissions from 3 submitters: Pathogenic (2). 1 of the submissions does not count toward it. Last evaluated 2025-05-15.

Conditions:
Retinitis pigmentosa 28 (RP28). Identifiers: Orphanet 791, MedGen C1419614, MONDO:0011630, OMIM 606068.
Retinitis pigmentosa (RP). Identifiers: Orphanet 791, MedGen C0035334, MeSH D012174, MONDO:0019200, OMIM 268000. Inheritance: Autosomal dominant, autosomal recessive and X linked inheritance.

Allele frequency attached by ClinVar (database versions not stated): gnomAD exomes below 0.00001.

Submissions (3):

Myriad Genetics, Inc.
Classification: Pathogenic for Retinitis pigmentosa 28. Last evaluated: 2025-05-15. Review status: criteria provided, single submitter. Criteria: Myriad Autosomal Dominant, Autosomal Recessive and X-Linked Classification Criteria (2023). Collection method: clinical testing. Allele origin: unknown.
Comment: NM_001201543.1(FAM161A):c.782delA(D261Vfs*39) is a frameshift variant classified as pathogenic in the context of retinitis pigmentosa, FAM161A-related. D261Vfs*39 has been observed in cases with relevant disease (PMID: 28041643, 32581362, 38219857). Relevant functional assessments of this variant are not available in the literature. D261Vfs*39 has been observed in referenced population frequency databases. In summary, NM_001201543.1(FAM161A):c.782delA(D261Vfs*39) is a frameshift variant in a gene where loss of function is a known mechanism of disease, is predicted to disrupt protein function, and has been observed more frequently in cases with the relevant disease than in healthy populations. Please note: this variant was assessed in the context of healthy population screening.

Labcorp Genetics (formerly Invitae), Labcorp
Classification: Pathogenic. Last evaluated: 2023-03-26. Review status: criteria provided, single submitter. Criteria: Invitae Variant Classification Sherloc (09022015). Collection method: clinical testing. Allele origin: germline.
Comment: This sequence change creates a premature translational stop signal (p.Asp261Valfs*39) in the FAM161A gene. It is expected to result in an absent or disrupted protein product. Loss-of-function variants in FAM161A are known to be pathogenic (PMID: 20705278, 20705279, 24651477). This variant is present in population databases (no rsID available, gnomAD 0.003%). For these reasons, this variant has been classified as Pathogenic. ClinVar contains an entry for this variant (Variation ID: 438167). This premature translational stop signal has been observed in individual(s) with FAM161A-related conditions (PMID: 28041643, 32581362).

NIHR Bioresource Rare Diseases, University of Cambridge
Classification: Likely pathogenic for Retinitis pigmentosa. Last evaluated: 2015-01-01. Review status: no assertion criteria provided. Collection method: research. Allele origin: unknown. Affected: yes. Observed: 1 variant allele. Not counted in ClinVar's aggregate classification.

Literature cited by the submitters: PubMed 28041643 (cited by 3 submitters); PubMed 32581362 (cited by Myriad Genetics, Inc. and Labcorp Genetics (formerly Invitae), Labcorp); PubMed 38219857 (cited by Myriad Genetics, Inc.); PubMed 20705278 (cited by Labcorp Genetics (formerly Invitae), Labcorp); PubMed 20705279 (cited by Labcorp Genetics (formerly Invitae), Labcorp); PubMed 24651477 (cited by Labcorp Genetics (formerly Invitae), Labcorp).